The following is an entry in ClinVar:

ClinVar aggregate classification (germline): Uncertain significance (1 of 4 stars; one submission).

Conditions:
Hereditary spastic paraplegia 11. Also called: SPASTIC PARAPLEGIA, AUTOSOMAL RECESSIVE, COMPLICATED, WITH THIN CORPUS CALLOSUM; SPASTIC PARAPLEGIA, AUTOSOMAL RECESSIVE, WITH MENTAL IMPAIRMENT AND THIN CORPUS CALLOSUM; Spastic Paraplegia 11; Nakamura Osame syndrome; Autosomal recessive hereditary spastic paraplegia, mental impairment, and thin corpus callosum; Spastic paraplegia, mental retardation and thin corpus callosum. Identifiers: Orphanet 2822, MedGen C1858479, MONDO:0011445, OMIM 604360.

Allele frequency attached by ClinVar (database versions not stated): gnomAD exomes below 0.00001.
gnomAD v4.1: 1 of 1,614,030 alleles (0.000062%); highest among the groups gnomAD compares: Non-Finnish European, 0.000085%; no homozygotes.

Submission:

Labcorp Genetics (formerly Invitae), Labcorp
Classification: Uncertain significance for Hereditary spastic paraplegia 11. Last evaluated: 2022-06-13. Review status: criteria provided, single submitter. Criteria: Invitae Variant Classification Sherloc (09022015). Collection method: clinical testing. Allele origin: germline.
Comment: In summary, the available evidence is currently insufficient to determine the role of this variant in disease. Therefore, it has been classified as a Variant of Uncertain Significance. Algorithms developed to predict the effect of missense changes on protein structure and function are either unavailable or do not agree on the potential impact of this missense change (SIFT: "Deleterious"; PolyPhen-2: "Probably Damaging"; Align-GVGD: "Class C0"). ClinVar contains an entry for this variant (Variation ID: 642475). This variant has not been reported in the literature in individuals affected with SPG11-related conditions. This variant is not present in population databases (gnomAD no frequency). This sequence change replaces leucine, which is neutral and non-polar, with methionine, which is neutral and non-polar, at codon 1083 of the SPG11 protein (p.Leu1083Met).

NM_025137.4(SPG11):c.3247C>A (p.Leu1083Met)

Gene: SPG11 (SPG11 vesicle trafficking associated, spatacsin; minus strand). Cytogenetic location: 15q21.1.
Variant type: single nucleotide variant.
Coding change: c.3247C>A on transcript NM_025137.4 (MANE Select); coding-DNA position 3247, C replaced by A.
Protein change: p.Leu1083Met; replaces leucine 1083 with methionine.
Molecular consequence: missense variant.
Genome position (GRCh38, 1-based): chr15:44,610,884, G>T on the plus strand (C>A on the coding strand, the complement: SPG11 is on the minus strand). VCF-style: chr15-44610884-G-T. GRCh37 (hg19) VCF-style: chr15-44903082-G-T.
Other names: c.3247C>A, p.Leu1083Met (NM_001160227.2); short protein forms L1083M.
Identifiers: ClinVar variation 642475 (VCV000642475.8), dbSNP rs1595878796, ClinGen allele CA392226538.